The following is an entry in ClinVar:

NM_001142864.4(PIEZO1):c.1196-6C>T

Genes: HSALR1 (HSP90AB1 associated lncRNA 1; plus strand), PIEZO1 (piezo type mechanosensitive ion channel component 1 (Er blood group); minus strand). Cytogenetic location: 16q24.3.
Variant type: single nucleotide variant.
Coding change: c.1196-6C>T on transcript NM_001142864.4 (MANE Select); 6 bases into the intron before coding-DNA position 1196, C replaced by T.
Molecular consequence: intron variant.
Genome position (GRCh38, 1-based): chr16:88,736,745, G>A on the plus strand (C>T on the coding strand, the complement: PIEZO1 is on the minus strand). VCF-style: chr16-88736745-G-A. GRCh37 (hg19) VCF-style: chr16-88803153-G-A.
Other names: p.?.
Identifiers: ClinVar variation 718459 (VCV000718459.11), dbSNP rs771307810, ClinGen allele CA8233065.
Genomic context (GRCh38, chr16:88,736,745, plus strand): 5'-TGGCCCAGGCTGTGGAGCGGAGACGCCTCCCTGGGCTCAGCCCGCTTGGGCCGCACTGCA[G>A]GTGGGGACAGCGGTCAGCTTCGGCAGGTTGATCTGCAGGCCTCCCCACCCTGACTATGCC-3'

ClinVar aggregate classification (germline): Benign/Likely benign. Review status: criteria provided, multiple submitters, no conflicts (2 of 4 stars). 4 submissions from 4 submitters: Benign (3); Likely benign (1). Last evaluated 2025-12-06.

Allele frequency attached by ClinVar (database versions not stated): gnomAD 0.00024 and 0.00022; TOPMed 0.00028; ExAC 0.00034; gnomAD exomes 0.00046.
gnomAD v4.1: 265 of 1,511,988 alleles (0.018%); highest among the groups gnomAD compares: Admixed American, 0.041%; no homozygotes.

Submissions (4):

Labcorp Genetics (formerly Invitae), Labcorp
Classification: Benign. Last evaluated: 2025-12-06. Review status: criteria provided, single submitter. Criteria: Invitae Variant Classification Sherloc (09022015). Collection method: clinical testing. Allele origin: germline.

Mayo Clinic Laboratories, Mayo Clinic
Classification: Likely benign. Last evaluated: 2025-06-10. Review status: criteria provided, single submitter. Criteria: ACMG Guidelines, 2015. Collection method: clinical testing. Allele origin: germline. Observed: 1 variant allele.
Comment: BP4, BP7

ARUP Laboratories, Molecular Genetics and Genomics, ARUP Laboratories
Classification: Benign. Last evaluated: 2023-12-08. Review status: criteria provided, single submitter. Criteria: ARUP Molecular Germline Variant Investigation Process 2024. Collection method: clinical testing. Allele origin: germline.

Breakthrough Genomics
Classification: Benign. Review status: criteria provided, single submitter. Criteria: ACMG Guidelines, 2015. Collection method: not provided. Allele origin: germline. Inheritance: Autosomal recessive inheritance. Affected: yes.